The following is an entry in ClinVar:

NM_000222.3(KIT):c.122C>T (p.Pro41Leu)

Gene: KIT (KIT proto-oncogene, receptor tyrosine kinase; plus strand). Cytogenetic location: 4q12.
Variant type: single nucleotide variant.
Coding change: c.122C>T on transcript NM_000222.3 (MANE Select); coding-DNA position 122, C replaced by T.
Protein change: p.Pro41Leu; replaces proline 41 with leucine.
Molecular consequence: missense variant.
Genome position (GRCh38, 1-based): chr4:54,695,566, C>T. VCF-style: chr4-54695566-C-T. GRCh37 (hg19) VCF-style: chr4-55561732-C-T.
Other names: c.122C>T, p.Pro41Leu (NM_001093772.2, NM_001385284.1, NM_001385285.1 and 4 more transcripts); short protein forms P41L.
Identifiers: ClinVar variation 1391763 (VCV001391763.6), dbSNP rs2109660787, ClinGen allele CA356896885.

ClinVar aggregate classification (germline): Uncertain significance (1 of 4 stars; one submission).

Conditions:
Gastrointestinal stromal tumor. Also called: Gastrointestinal stroma tumor; Gastrointestinal stromal tumor, somatic. Identifiers: Orphanet 44890, MedGen C0238198, MeSH D046152, MONDO:0011719, OMIM 606764, HP:0100723.

Submission:

Labcorp Genetics (formerly Invitae), Labcorp
Classification: Uncertain significance for Gastrointestinal stromal tumor. Last evaluated: 2021-11-06. Review status: criteria provided, single submitter. Criteria: Invitae Variant Classification Sherloc (09022015). Collection method: clinical testing. Allele origin: germline.
Comment: In summary, the available evidence is currently insufficient to determine the role of this variant in disease. Therefore, it has been classified as a Variant of Uncertain Significance. Algorithms developed to predict the effect of missense changes on protein structure and function are either unavailable or do not agree on the potential impact of this missense change (SIFT: "Deleterious"; PolyPhen-2: "Probably Damaging"; Align-GVGD: "Class C0"). This variant has not been reported in the literature in individuals affected with KIT-related conditions. This variant is not present in population databases (gnomAD no frequency). This sequence change replaces proline, which is neutral and non-polar, with leucine, which is neutral and non-polar, at codon 41 of the KIT protein (p.Pro41Leu).